The following is an entry in ClinVar:

NM_057175.5(NAA15):c.2380C>G (p.Leu794Val)

Gene: NAA15 (N-alpha-acetyltransferase 15, NatA auxiliary subunit; plus strand). Cytogenetic location: 4q31.1.
Variant type: single nucleotide variant.
Coding change: c.2380C>G on transcript NM_057175.5 (MANE Select); coding-DNA position 2380, C replaced by G.
Protein change: p.Leu794Val; replaces leucine 794 with valine.
Molecular consequence: missense variant.
Genome position (GRCh38, 1-based): chr4:139,386,210, C>G. VCF-style: chr4-139386210-C-G. GRCh37 (hg19) VCF-style: chr4-140307364-C-G.
Other names: c.2377C>G, p.Leu793Val (NM_001410842.1); c.*789C>G (NM_025085.2); short protein forms L793V, L794V.
Identifiers: ClinVar variation 2812834 (VCV002812834.3), dbSNP rs760178261, ClinGen allele CA358270962.

ClinVar aggregate classification (germline): Uncertain significance (1 of 4 stars; one submission).

Submission:

Labcorp Genetics (formerly Invitae), Labcorp
Classification: Uncertain significance. Last evaluated: 2023-04-20. Review status: criteria provided, single submitter. Criteria: Invitae Variant Classification Sherloc (09022015). Collection method: clinical testing. Allele origin: germline.
Comment: An algorithm developed to predict the effect of missense changes on protein structure and function (PolyPhen-2) suggests that this variant is likely to be tolerated. This variant has not been reported in the literature in individuals affected with NAA15-related conditions. This variant is not present in population databases (gnomAD no frequency). This sequence change replaces leucine, which is neutral and non-polar, with valine, which is neutral and non-polar, at codon 794 of the NAA15 protein (p.Leu794Val). In summary, the available evidence is currently insufficient to determine the role of this variant in disease. Therefore, it has been classified as a Variant of Uncertain Significance.